The following is an entry in ClinVar:

ClinVar aggregate classification (germline): Pathogenic (1 of 4 stars; one submission).

Conditions:
Neurofibromatosis, type 1 (NF1). Also called: NEUROFIBROMATOSIS, TYPE I, SOMATIC; Peripheral type neurofibromatosis; VON RECKLINGHAUSEN DISEASE; Neurofibromatosis, type I. Identifiers: Orphanet 636, MedGen C0027831, MONDO:0018975, OMIM 162200. Disease mechanism: loss of function.

Submission:

Illumina Laboratory Services, Illumina
Classification: Pathogenic for Neurofibromatosis, type 1. Last evaluated: 2022-05-11. Review status: criteria provided, single submitter. Criteria: ICSLVariantClassificationCriteria RUGD 01 April 2020. Collection method: clinical testing. Allele origin: unknown.
Comment: The NF1 c.7971-1G>C variant results in the substitution of a guanine within the consensus splice acceptor site with a cytosine, which may result in splicing defects. To our knowledge, this variant has not been reported in the peer-reviewed literature. This variant is not found in version 2.1.1 or version 3.1.2 of the Genome Aggregation Database. Based on the available evidence, the c.7971-1G>C variant is classified as pathogenic for neurofibromatosis type I.

NM_001042492.3(NF1):c.7971-1G>C

Gene: NF1 (neurofibromin 1; plus strand). Cytogenetic location: 17q11.2.
Variant type: single nucleotide variant.
Coding change: c.7971-1G>C on transcript NM_001042492.3 (MANE Select); the canonical splice acceptor site of the intron before coding-DNA position 7971, G replaced by C.
Molecular consequence: splice acceptor variant.
Genome position (GRCh38, 1-based): chr17:31,358,479, G>C. VCF-style: chr17-31358479-G-C. GRCh37 (hg19) VCF-style: chr17-29685497-G-C.
Other names: c.7908-1G>C (NM_000267.4).
Identifiers: ClinVar variation 1803702 (VCV001803702.3), dbSNP rs1417908560, ClinGen allele CA399203580.